The following is an entry in ClinVar:

ClinVar aggregate classification (germline): Uncertain significance. Review status: criteria provided, multiple submitters, no conflicts (2 of 4 stars). 2 submissions from 2 submitters: Uncertain significance (2). Last evaluated 2023-11-30.

Conditions:
Cardiomyopathy (CMYO). Also called: Cardiomyopathies. Identifiers: Orphanet 167848, MedGen C0878544, MONDO:0004994, HP:0001638. Inheritance: Various modes of inheritance.

Allele frequency attached by ClinVar (database versions not stated): ExAC 0.00001.

Submissions (2):

All of Us Research Program, National Institutes of Health
Classification: Uncertain significance for Cardiomyopathy. Last evaluated: 2023-11-30. Review status: criteria provided, single submitter. Criteria: ACMG Guidelines, 2015. Collection method: clinical testing. Allele origin: germline. Inheritance: Autosomal dominant inheritance. Observed: 1 variant allele, 1 heterozygote.
Comment: This study involves interpretation of variants in research participants for the purpose of population health screening. Participant phenotype was not available at the time of variant classification. Additional details can be found in publication PMID: 35346344, PMCID: PMC8962531

Revvity Omics, Revvity
Classification: Uncertain significance. Last evaluated: 2023-04-12. Review status: criteria provided, single submitter. Criteria: ACMG Guidelines, 2015. Collection method: clinical testing. Allele origin: germline.

NM_000257.4(MYH7):c.3590_3591insAAGAAG (p.Ala1197_Asp1198insArgSer)

Gene: MYH7 (myosin heavy chain 7; minus strand). Cytogenetic location: 14q11.2.
Variant type: Insertion.
Coding change: c.3590_3591insAAGAAG on transcript NM_000257.4 (MANE Select); coding-DNA positions 3590 to 3591, AAGAAG inserted.
Protein change: p.Ala1197_Asp1198insArgSer.
Molecular consequence: inframe insertion.
Genome position: GRCh38 VCF-style: chr14-23419980-G-GCTTCTT. GRCh37 (hg19) VCF-style: chr14-23889189-G-GCTTCTT.
Other names: c.3590_3591insAAGAAG, p.Ala1197_Asp1198insArgSer (NM_001407004.1).
Identifiers: ClinVar variation 2689493 (VCV002689493.3), dbSNP rs763861806, ClinGen allele CA037944.